The following is an entry in ClinVar:

NM_021975.4(RELA):c.1515_1516del (p.Ala507fs)

Gene: RELA (RELA proto-oncogene, NF-kB subunit; minus strand). Cytogenetic location: 11q13.1.
Variant type: Deletion.
Coding change: c.1515_1516del on transcript NM_021975.4 (MANE Select); coding-DNA positions 1515 to 1516, 2 bases deleted (AG; older notation c.1515_1516delAG).
Protein change: p.Ala507fs; shifts the reading frame from alanine 507.
Molecular consequence: frameshift variant. On other transcripts: intron variant (1).
Genome position (GRCh38, 1-based): chr11:65,654,518-65,654,519, CT deleted on the plus strand (AG on the coding strand, the reverse complement: RELA is on the minus strand). VCF-style (leftmost placement, unchanged base first): chr11-65654517-CCT-C. GRCh37 (hg19) VCF-style: chr11-65421988-CCT-C.
Other names: c.1506_1507del, p.Ala504fs (NM_001145138.2); c.1308_1309del, p.Ala438fs (NM_001243984.2); c.1548_1549delAG, p.Ala518Profs (NM_001404657.1); c.1488_1489delAG, p.Ala498Profs (NM_001404658.1); c.1302_1303delAG, p.Ala436Profs (NM_001404659.1); c.1197_1198delAG, p.Ala401Profs (NM_001404660.1); c.1134_1135delAG, p.Ala380Profs (NM_001404661.1); c.1422_1423delAG, p.Ala476Profs (NM_001404662.1, NM_001404663.1); and 1 more; short protein forms A438fs, A507fs, A504fs.
Identifiers: ClinVar variation 1902328 (VCV001902328.5), dbSNP rs1162509808, ClinGen allele CA600228003.
Genomic context (GRCh38, chr11:65,654,517, plus strand): 5'-CCATTGGGGAGCCCCGGGGCCCCCAGTGGAGCAGGAGCTGGGTCGGGGGGCCTCTGGGCC[CCT>C]GTCACTAGGCGAGTTATAGCCTCAGGGTACTCCATCAGCATGGGCTCAGTTGTGTGGGGG-3'

ClinVar aggregate classification (germline): Uncertain significance (1 of 4 stars; one submission).

Allele frequency attached by ClinVar (database versions not stated): TOPMed below 0.00001; gnomAD 0.00001; gnomAD exomes 0.00001.

Submission:

Labcorp Genetics (formerly Invitae), Labcorp
Classification: Uncertain significance. Last evaluated: 2024-01-11. Review status: criteria provided, single submitter. Criteria: Invitae Variant Classification Sherloc (09022015). Collection method: clinical testing. Allele origin: germline.
Comment: This sequence change creates a premature translational stop signal (p.Ala507Profs*25) in the RELA gene. While this is not anticipated to result in nonsense mediated decay, it is expected to disrupt the last 45 amino acid(s) of the RELA protein. This variant is present in population databases (no rsID available, gnomAD 0.0009%). This variant has not been reported in the literature in individuals affected with RELA-related conditions. ClinVar contains an entry for this variant (Variation ID: 1902328). Experimental studies and prediction algorithms are not available or were not evaluated, and the functional significance of this variant is currently unknown. In summary, the available evidence is currently insufficient to determine the role of this variant in disease. Therefore, it has been classified as a Variant of Uncertain Significance.